The following is an entry in ClinVar:

NM_024747.6(HPS6):c.1407G>C (p.Lys469Asn)

Gene: HPS6 (HPS6 biogenesis of lysosomal organelles complex 2 subunit 3; plus strand). Cytogenetic location: 10q24.32.
Variant type: single nucleotide variant.
Coding change: c.1407G>C on transcript NM_024747.6 (MANE Select); coding-DNA position 1407, G replaced by C.
Protein change: p.Lys469Asn; replaces lysine 469 with asparagine.
Molecular consequence: missense variant.
Genome position (GRCh38, 1-based): chr10:102,066,881, G>C. VCF-style: chr10-102066881-G-C. GRCh37 (hg19) VCF-style: chr10-103826638-G-C.
Other names: short protein forms K469N.
Identifiers: ClinVar variation 1940750 (VCV001940750.2), dbSNP rs367765972, ClinGen allele CA377867260.

ClinVar aggregate classification (germline): Uncertain significance (1 of 4 stars; one submission).

Submission:

Labcorp Genetics (formerly Invitae), Labcorp
Classification: Uncertain significance. Last evaluated: 2022-07-12. Review status: criteria provided, single submitter. Criteria: Invitae Variant Classification Sherloc (09022015). Collection method: clinical testing. Allele origin: germline.
Comment: This sequence change replaces lysine, which is basic and polar, with asparagine, which is neutral and polar, at codon 469 of the HPS6 protein (p.Lys469Asn). This variant is not present in population databases (gnomAD no frequency). This variant has not been reported in the literature in individuals affected with HPS6-related conditions. Algorithms developed to predict the effect of missense changes on protein structure and function (SIFT, PolyPhen-2, Align-GVGD) all suggest that this variant is likely to be disruptive. In summary, the available evidence is currently insufficient to determine the role of this variant in disease. Therefore, it has been classified as a Variant of Uncertain Significance.